The following is an entry in ClinVar:

NM_001369268.1(ACAN):c.778T>C (p.Ser260Pro)

Gene: ACAN (aggrecan; plus strand). Cytogenetic location: 15q26.1.
Variant type: single nucleotide variant.
Coding change: c.778T>C on transcript NM_001369268.1 (MANE Select); coding-DNA position 778, T replaced by C.
Protein change: p.Ser260Pro; replaces serine 260 with proline.
Molecular consequence: missense variant.
Genome position (GRCh38, 1-based): chr15:88,843,375, T>C. VCF-style: chr15-88843375-T-C. GRCh37 (hg19) VCF-style: chr15-89386606-T-C.
Other names: c.778T>C, p.Ser260Pro (NM_001135.4, NM_001411096.1, NM_001411097.1 and 1 more transcripts); short protein forms S260P.
Identifiers: ClinVar variation 1949302 (VCV001949302.5), dbSNP rs2505250166, ClinGen allele CA393707259.

ClinVar aggregate classification (germline): Uncertain significance (1 of 4 stars; one submission).

Allele frequency attached by ClinVar (database versions not stated): gnomAD exomes below 0.00001.
gnomAD v4.1: 1 of 1,584,900 alleles (0.000063%); highest among the groups gnomAD compares: Non-Finnish European, 0.000086%; no homozygotes.

Submission:

Labcorp Genetics (formerly Invitae), Labcorp
Classification: Uncertain significance. Last evaluated: 2022-10-06. Review status: criteria provided, single submitter. Criteria: Invitae Variant Classification Sherloc (09022015). Collection method: clinical testing. Allele origin: germline.
Comment: This sequence change replaces serine, which is neutral and polar, with proline, which is neutral and non-polar, at codon 260 of the ACAN protein (p.Ser260Pro). This variant is not present in population databases (gnomAD no frequency). This variant has not been reported in the literature in individuals affected with ACAN-related conditions. Advanced modeling of protein sequence and biophysical properties (such as structural, functional, and spatial information, amino acid conservation, physicochemical variation, residue mobility, and thermodynamic stability) performed at Invitae indicates that this missense variant is not expected to disrupt ACAN protein function. In summary, the available evidence is currently insufficient to determine the role of this variant in disease. Therefore, it has been classified as a Variant of Uncertain Significance.